The following is an entry in ClinVar:

ClinVar aggregate classification (germline): Uncertain significance (1 of 4 stars; one submission).

Conditions:
Autosomal recessive congenital ichthyosis 6 (ARCI6). Identifiers: Orphanet 313, Orphanet 79394, MedGen C2677065, MONDO:0012847, OMIM 612281.

Submission:

Laboratorio de Genetica e Diagnostico Molecular, Hospital Israelita Albert Einstein
Classification: Uncertain significance for Autosomal recessive congenital ichthyosis 6. Last evaluated: 2022-01-04. Review status: criteria provided, single submitter. Criteria: ACMG Guidelines, 2015. Collection method: clinical testing. Allele origin: germline. Affected: yes.
Comment: ACMG classification criteria: PM2 moderate, PP3 supporting

NM_001099287.2(NIPAL4):c.859G>C (p.Asp287His)

Gene: NIPAL4 (NIPA like domain containing 4; plus strand). Cytogenetic location: 5q33.3.
Variant type: single nucleotide variant.
Coding change: c.859G>C on transcript NM_001099287.2 (MANE Select); coding-DNA position 859, G replaced by C.
Protein change: p.Asp287His; replaces aspartic acid 287 with histidine.
Molecular consequence: missense variant.
Genome position (GRCh38, 1-based): chr5:157,472,604, G>C. VCF-style: chr5-157472604-G-C. GRCh37 (hg19) VCF-style: chr5-156899612-G-C.
Other names: c.802G>C, p.Asp268His (NM_001172292.2); short protein forms D287H, D330H, D349H, D268H.
Identifiers: ClinVar variation 1683528 (VCV001683528.2), dbSNP rs2113670374, ClinGen allele CA361974120.
Genomic context (GRCh38, chr5:157,472,604, plus strand): 5'-CTGTCCCTCATCCTGGCACTGTCCCTCAGCACTCAGGTCAACTTCCTCAACAGAGCACTG[G>C]ACATTTTCAACACTTCCCTGGTGTTCCCCATCTACTACGTGTTCTTCACCACGGTGGTCG-3'
Protein context (NP_001092757.2, residues 277-297): TQVNFLNRAL[Asp287His]IFNTSLVFPI